The following is an entry in ClinVar:

ClinVar aggregate classification (germline): Uncertain significance. Review status: criteria provided, multiple submitters, no conflicts (2 of 4 stars). 2 submissions from 2 submitters: Uncertain significance (2). Last evaluated 2025-09-08.

Conditions:
Malignant hyperthermia, susceptibility to, 5 (MHS5). Also called: CACNA1S-Related Malignant Hyperthermia Susceptibility. Identifiers: Orphanet 423, MedGen C1866077, MONDO:0011163, OMIM 601887.
Hypokalemic periodic paralysis, type 1. Also called: HypoPP; Hypokalemic Periodic Paralysis Type 1 (AD). Identifiers: Orphanet 681, MedGen C3714580, MONDO:0042979, OMIM 170400.

Allele frequency attached by ClinVar (database versions not stated): ExAC 0.00001.
gnomAD v4.1: 2 of 1,614,254 alleles (0.00012%); highest among the groups gnomAD compares: East Asian, 0.0045%; no homozygotes.

Submissions (2):

Color Diagnostics, LLC DBA Color Health
Classification: Uncertain significance for Malignant hyperthermia, susceptibility to, 5. Last evaluated: 2025-09-08. Review status: criteria provided, single submitter. Criteria: ACMG Guidelines, 2015. Collection method: clinical testing. Allele origin: germline.
Comment: This missense variant replaces isoleucine with asparagine at codon 1047 of the CACNA1S protein. Computational prediction suggests that this variant may have deleterious impact on protein structure and function. To our knowledge, functional studies have not been reported for this variant. This variant has not been reported in individuals affected with CACNA1S-related disorders in the literature. This variant has been identified in 2/251486 chromosomes in the general population by the Genome Aggregation Database (gnomAD). The available evidence is insufficient to determine the role of this variant in disease conclusively. Therefore, this variant is classified as a Variant of Uncertain Significance.

Labcorp Genetics (formerly Invitae), Labcorp
Classification: Uncertain significance for Hypokalemic periodic paralysis, type 1; Malignant hyperthermia, susceptibility to, 5. Last evaluated: 2022-08-22. Review status: criteria provided, single submitter. Criteria: Invitae Variant Classification Sherloc (09022015). Collection method: clinical testing. Allele origin: germline.
Comment: In summary, the available evidence is currently insufficient to determine the role of this variant in disease. Therefore, it has been classified as a Variant of Uncertain Significance. Algorithms developed to predict the effect of missense changes on protein structure and function are either unavailable or do not agree on the potential impact of this missense change (SIFT: "Deleterious"; PolyPhen-2: "Possibly Damaging"; Align-GVGD: "Class C0"). This variant has not been reported in the literature in individuals affected with CACNA1S-related conditions. This variant is present in population databases (rs769489062, gnomAD 0.01%). This sequence change replaces isoleucine, which is neutral and non-polar, with asparagine, which is neutral and polar, at codon 1047 of the CACNA1S protein (p.Ile1047Asn).

NM_000069.3(CACNA1S):c.3140T>A (p.Ile1047Asn)

Gene: CACNA1S (calcium voltage-gated channel subunit alpha1 S; minus strand). Cytogenetic location: 1q32.1.
Variant type: single nucleotide variant.
Coding change: c.3140T>A on transcript NM_000069.3 (MANE Select); coding-DNA position 3140, T replaced by A.
Protein change: p.Ile1047Asn; replaces isoleucine 1047 with asparagine.
Molecular consequence: missense variant.
Genome position (GRCh38, 1-based): chr1:201,061,382, A>T on the plus strand (T>A on the coding strand, the complement: CACNA1S is on the minus strand). VCF-style: chr1-201061382-A-T. GRCh37 (hg19) VCF-style: chr1-201030510-A-T.
Other names: short protein forms I1047N.
Identifiers: ClinVar variation 2050963 (VCV002050963.5), dbSNP rs769489062, ClinGen allele CA079562.